The following is an entry in ClinVar:

NM_019040.5(ELP4):c.1144-19957_1144-19956del

Genes: ELP4 (elongator acetyltransferase complex subunit 4; plus strand), ELP4-AS1 (ELP4 antisense RNA 1; minus strand), LOC105980003 (E60 enhancer downstream of PAX6; plus strand). Cytogenetic location: 11p13.
Variant type: Deletion.
Coding change: c.1144-19957_1144-19956del on transcript NM_019040.5 (MANE Select); 19957 bases into the intron before coding-DNA position 1144 through 19956 bases into the intron before coding-DNA position 1144, 2 bases deleted (AA; older notation c.1144-19957_1144-19956delAA).
Molecular consequence: intron variant. On other transcripts: frameshift variant (2).
Genome position (GRCh38, 1-based): chr11:31,763,436-31,763,437, AA deleted. VCF-style (leftmost placement, unchanged base first): chr11-31763435-CAA-C. GRCh37 (hg19) VCF-style: chr11-31784983-CAA-C.
Other names: c.1172_1173del, p.Gln391fs (NM_001288725.2); c.1458_1459del, p.Glu488fs (NM_001288726.2); short protein forms E488fs, Q391fs.
Identifiers: ClinVar variation 3389165 (VCV003389165.14).

ClinVar aggregate classification (germline): Likely benign (1 of 4 stars; one submission).

Submission:

CeGaT Center for Human Genetics Tuebingen
Classification: Likely benign. Last evaluated: 2024-09-01. Review status: criteria provided, single submitter. Criteria: CeGaT Center For Human Genetics Tuebingen Variant Classification Criteria Version 2. Collection method: clinical testing. Allele origin: germline. Affected: yes. Observed: 1 variant allele.
Comment: ELP4: BS1